The following is an entry in ClinVar:

ClinVar aggregate classification (germline): Pathogenic (1 of 4 stars; one submission).

Conditions:
Dextro-looped transposition of the great arteries. Also called: Dextrotransposition of the great arteries. Identifiers: Orphanet 860, MedGen C3531771, MONDO:0019443, OMIM 608808, HP:0031348.

Submission:

Labcorp Genetics (formerly Invitae), Labcorp
Classification: Pathogenic for Dextro-looped transposition of the great arteries. Last evaluated: 2022-03-01. Review status: criteria provided, single submitter. Criteria: Invitae Variant Classification Sherloc (09022015). Collection method: clinical testing. Allele origin: germline.
Comment: This variant has not been reported in the literature in individuals affected with MED13L-related conditions. For these reasons, this variant has been classified as Pathogenic. This variant is not present in population databases (gnomAD no frequency). This sequence change creates a premature translational stop signal (p.Thr1923Serfs*37) in the MED13L gene. It is expected to result in an absent or disrupted protein product. Loss-of-function variants in MED13L are known to be pathogenic (PMID: 25712080, 25758992).

Literature cited by the submitters: PubMed 25712080; PubMed 25758992.

NM_015335.5(MED13L):c.5766_5769del (p.Thr1923fs)

Gene: MED13L (mediator complex subunit 13L; minus strand). Cytogenetic location: 12q24.21.
Variant type: Deletion.
Coding change: c.5766_5769del on transcript NM_015335.5 (MANE Select); coding-DNA positions 5766 to 5769, 4 bases deleted (GACA; older notation c.5766_5769delGACA).
Protein change: p.Thr1923fs; shifts the reading frame from threonine 1923.
Molecular consequence: frameshift variant.
Genome position (GRCh38, 1-based): chr12:115,972,199-115,972,202, TGTC deleted on the plus strand (GACA on the coding strand, the reverse complement: MED13L is on the minus strand); deleting any 4 consecutive bases within chr12:115,972,199-115,972,205 gives the same sequence; the c. name uses the placement nearest the transcript's 3' end. VCF-style (leftmost placement, unchanged base first): chr12-115972198-TTGTC-T. GRCh37 (hg19) VCF-style: chr12-116410003-TTGTC-T.
Other names: short protein forms T1923fs.
Identifiers: ClinVar variation 2105567 (VCV002105567.4), dbSNP rs2499974537, ClinGen allele CA2580085853.